The following is an entry in ClinVar:

NM_006059.4(LAMC3):c.805G>A (p.Gly269Ser)

Gene: LAMC3 (laminin subunit gamma 3; plus strand). Cytogenetic location: 9q34.12.
Variant type: single nucleotide variant.
Coding change: c.805G>A on transcript NM_006059.4 (MANE Select); coding-DNA position 805, G replaced by A.
Protein change: p.Gly269Ser; replaces glycine 269 with serine.
Molecular consequence: missense variant.
Genome position (GRCh38, 1-based): chr9:131,032,171, G>A. VCF-style: chr9-131032171-G-A. GRCh37 (hg19) VCF-style: chr9-133907558-G-A.
Other names: short protein forms G269S.
Identifiers: ClinVar variation 1397722 (VCV001397722.8), dbSNP rs771194030, ClinGen allele CA5286812.

ClinVar aggregate classification (germline): Uncertain significance (1 of 4 stars; one submission).

Allele frequency attached by ClinVar (database versions not stated): ExAC 0.00001; gnomAD exomes 0.00001 and 0.00002; TOPMed 0.00002; gnomAD 0.00003.
gnomAD v4.1: 32 of 1,580,974 alleles (0.002%); highest among the groups gnomAD compares: South Asian, 0.0055%; no homozygotes.

Submission:

Labcorp Genetics (formerly Invitae), Labcorp
Classification: Uncertain significance. Last evaluated: 2024-10-30. Review status: criteria provided, single submitter. Criteria: Invitae Variant Classification Sherloc (09022015). Collection method: clinical testing. Allele origin: germline.
Comment: This sequence change replaces glycine, which is neutral and non-polar, with serine, which is neutral and polar, at codon 269 of the LAMC3 protein (p.Gly269Ser). This variant is present in population databases (rs771194030, gnomAD 0.004%). This missense change has been observed in individual(s) with clinical features of LAMC3-related conditions (PMID: 28191889). ClinVar contains an entry for this variant (Variation ID: 1397722). An algorithm developed to predict the effect of missense changes on protein structure and function (PolyPhen-2) suggests that this variant is likely to be disruptive. In summary, the available evidence is currently insufficient to determine the role of this variant in disease. Therefore, it has been classified as a Variant of Uncertain Significance.

Literature cited by the submitters: PubMed 28191889.